The following is an entry in ClinVar:

NM_000238.4(KCNH2):c.2581A>C (p.Asn861His)

Gene: KCNH2 (potassium voltage-gated channel subfamily H member 2; minus strand). Cytogenetic location: 7q36.1.
Variant type: single nucleotide variant.
Coding change: c.2581A>C on transcript NM_000238.4 (MANE Select); coding-DNA position 2581, A replaced by C.
Protein change: p.Asn861His; replaces asparagine 861 with histidine.
Molecular consequence: missense variant.
Genome position (GRCh38, 1-based): chr7:150,948,867, T>G on the plus strand (A>C on the coding strand, the complement: KCNH2 is on the minus strand). VCF-style: chr7-150948867-T-G. GRCh37 (hg19) VCF-style: chr7-150645955-T-G.
Other names: c.2581A>C (LRG_288t1); c.1561A>C, p.Asn521His (NM_172057.3); short protein forms N521H, N861H.
Identifiers: ClinVar variation 67415 (VCV000067415.1), dbSNP rs199473007, ClinGen allele CA006978.

ClinVar aggregate classification (germline): not provided (0 of 4 stars; one submission).

Conditions:
Familial long QT syndrome (RWS). Also called: Congenital long QT syndrome; Romano-Ward syndrome; VENTRICULAR FIBRILLATION WITH PROLONGED QT INTERVAL. Identifiers: Orphanet 768, MedGen C1141890, MONDO:0019171.

Submission:

Cardiovascular Biomedical Research Unit, Royal Brompton & Harefield NHS Foundation Trust
No classification provided. Condition: Familial long QT syndrome. Review status: no classification provided. Collection method: literature only. Allele origin: germline.
Comment: This variant has been reported as associated with Long QT syndrome in the following publications (PMID:16414944). This is a literature report, and does not necessarily reflect the clinical interpretation of the Imperial College / Royal Brompton Cardiovascular Genetics laboratory.

Literature cited by the submitters: PubMed 16414944; PubMed 22581653.